The following is an entry in ClinVar:

ClinVar aggregate classification (germline): Uncertain significance. Review status: criteria provided, single submitter (1 of 4 stars). 2 submissions from 2 submitters: Uncertain significance (1). 1 of the submissions does not count toward it. Last evaluated 2022-10-05.

Conditions:
Glycine encephalopathy. Also called: Non-ketotic hyperglycinemia; Nonketotic hyperglycinemia. Identifiers: Orphanet 407, MedGen C0751748, MONDO:0011612, HP:0008288.

Allele frequency attached by ClinVar (database versions not stated): gnomAD exomes below 0.00001; gnomAD 0.00001.
gnomAD v4.1: 1 of 1,613,442 alleles (0.000062%); no homozygotes.

Submissions (2):

Labcorp Genetics (formerly Invitae), Labcorp
Classification: Uncertain significance for Glycine encephalopathy. Last evaluated: 2022-10-05. Review status: criteria provided, single submitter. Criteria: Invitae Variant Classification Sherloc (09022015). Collection method: clinical testing. Allele origin: germline.
Comment: This sequence change replaces alanine, which is neutral and non-polar, with threonine, which is neutral and polar, at codon 118 of the GLDC protein (p.Ala118Thr). This variant is present in population databases (no rsID available, gnomAD 0.01%). This variant has not been reported in the literature in individuals affected with GLDC-related conditions. ClinVar contains an entry for this variant (Variation ID: 1004103). Advanced modeling of protein sequence and biophysical properties (such as structural, functional, and spatial information, amino acid conservation, physicochemical variation, residue mobility, and thermodynamic stability) performed at Invitae indicates that this missense variant is not expected to disrupt GLDC protein function. In summary, the available evidence is currently insufficient to determine the role of this variant in disease. Therefore, it has been classified as a Variant of Uncertain Significance.

Natera, Inc.
Classification: Uncertain significance for Non-ketotic hyperglycinemia. Last evaluated: 2020-11-06. Review status: no assertion criteria provided. Collection method: clinical testing. Allele origin: germline. Not counted in ClinVar's aggregate classification.

NM_000170.3(GLDC):c.352G>A (p.Ala118Thr)

Gene: GLDC (glycine decarboxylase; minus strand). Cytogenetic location: 9p24.1.
Variant type: single nucleotide variant.
Coding change: c.352G>A on transcript NM_000170.3 (MANE Select); coding-DNA position 352, G replaced by A.
Protein change: p.Ala118Thr; replaces alanine 118 with threonine.
Molecular consequence: missense variant.
Genome position (GRCh38, 1-based): chr9:6,620,302, C>T on the plus strand (G>A on the coding strand, the complement: GLDC is on the minus strand). VCF-style: chr9-6620302-C-T. GRCh37 (hg19) VCF-style: chr9-6620302-C-T.
Other names: short protein forms A118T.
Identifiers: ClinVar variation 1004103 (VCV001004103.9), dbSNP rs1333702002, ClinGen allele CA372879716.